The following is an entry in ClinVar:

ClinVar aggregate classification (germline): Uncertain significance. Review status: criteria provided, multiple submitters, no conflicts (2 of 4 stars). 3 submissions from 3 submitters: Uncertain significance (2). 1 of the submissions does not count toward it. Last evaluated 2023-07-19.

Conditions:
Hereditary cancer-predisposing syndrome. Also called: Hereditary neoplastic syndrome; Neoplastic Syndromes, Hereditary; Tumor predisposition; Hereditary Cancer Syndrome. Identifiers: Orphanet 140162, MedGen C0027672, MeSH D009386, MONDO:0015356.
Microcephaly, normal intelligence and immunodeficiency (NBS). Also called: IMMUNODEFICIENCY, MICROCEPHALY, AND CHROMOSOMAL INSTABILITY; SEEMANOVA SYNDROME II; Nijmegen breakage syndrome; Microcephaly with normal intelligence immunodeficiency and lymphoreticular malignancies; Nonsyndromal microcephaly autosomal recessive with normal intelligence; Seemanova syndrome 2. Identifiers: Orphanet 647, MedGen C0398791, MONDO:0009623, OMIM 251260.

Allele frequency attached by ClinVar (database versions not stated): gnomAD exomes below 0.00001.
gnomAD v4.1: 2 of 1,612,602 alleles (0.00012%); highest among the groups gnomAD compares: Non-Finnish European, 0.00017%; no homozygotes.

Submissions (3):

Ambry Genetics
Classification: Uncertain significance for Hereditary cancer-predisposing syndrome. Last evaluated: 2023-07-19. Review status: criteria provided, single submitter. Criteria: Ambry Variant Classification Scheme 2023. Collection method: clinical testing. Allele origin: germline.
Comment: The p.D121E variant (also known as c.363T>A), located in coding exon 4 of the NBN gene, results from a T to A substitution at nucleotide position 363. The aspartic acid at codon 121 is replaced by glutamic acid, an amino acid with highly similar properties. This amino acid position is highly conserved in available vertebrate species. In addition, this alteration is predicted to be tolerated by in silico analysis. Since supporting evidence is limited at this time, the clinical significance of this alteration remains unclear.

Labcorp Genetics (formerly Invitae), Labcorp
Classification: Uncertain significance for Microcephaly, normal intelligence and immunodeficiency. Last evaluated: 2022-01-28. Review status: criteria provided, single submitter. Criteria: Invitae Variant Classification Sherloc (09022015). Collection method: clinical testing. Allele origin: germline.
Comment: In summary, the available evidence is currently insufficient to determine the role of this variant in disease. Therefore, it has been classified as a Variant of Uncertain Significance. Algorithms developed to predict the effect of sequence changes on RNA splicing suggest that this variant may create or strengthen a splice site. Algorithms developed to predict the effect of missense changes on protein structure and function (SIFT, PolyPhen-2, Align-GVGD) all suggest that this variant is likely to be tolerated. ClinVar contains an entry for this variant (Variation ID: 461558). This variant has not been reported in the literature in individuals affected with NBN-related conditions. This variant is not present in population databases (gnomAD no frequency). This sequence change replaces aspartic acid, which is acidic and polar, with glutamic acid, which is acidic and polar, at codon 121 of the NBN protein (p.Asp121Glu).

Natera, Inc.
Classification: Uncertain significance for Nijmegen breakage syndrome. Last evaluated: 2020-07-09. Review status: no assertion criteria provided. Collection method: clinical testing. Allele origin: germline. Not counted in ClinVar's aggregate classification.

NM_002485.5(NBN):c.363T>A (p.Asp121Glu)

Gene: NBN (nibrin; minus strand). Cytogenetic location: 8q21.3.
Variant type: single nucleotide variant.
Coding change: c.363T>A on transcript NM_002485.5 (MANE Select); coding-DNA position 363, T replaced by A.
Protein change: p.Asp121Glu; replaces aspartic acid 121 with glutamic acid.
Molecular consequence: missense variant.
Genome position (GRCh38, 1-based): chr8:89,980,851, A>T on the plus strand (T>A on the coding strand, the complement: NBN is on the minus strand). VCF-style: chr8-89980851-A-T. GRCh37 (hg19) VCF-style: chr8-90993079-A-T.
Other names: c.117T>A, p.Asp39Glu (NM_001024688.3); short protein forms D121E, D39E.
Identifiers: ClinVar variation 461558 (VCV000461558.16), dbSNP rs987369991, ClinGen allele CA181280399.